The following is an entry in ClinVar:

NM_001267550.2(TTN):c.79162G>A (p.Gly26388Arg)

Genes: TTN (titin; minus strand), TTN-AS1 (TTN antisense RNA 1; plus strand). Cytogenetic location: 2q31.2.
Variant type: single nucleotide variant.
Coding change: c.79162G>A on transcript NM_001267550.2 (MANE Select); coding-DNA position 79162, G replaced by A.
Protein change: p.Gly26388Arg; replaces glycine 26388 with arginine.
Molecular consequence: missense variant.
Genome position (GRCh38, 1-based): chr2:178,566,970, C>T on the plus strand (G>A on the coding strand, the complement: TTN is on the minus strand). VCF-style: chr2-178566970-C-T. GRCh37 (hg19) VCF-style: chr2-179431697-C-T.
Other names: c.74239G>A, p.Gly24747Arg (NM_001256850.1); c.51967G>A, p.Gly17323Arg (NM_003319.4); c.71458G>A, p.Gly23820Arg (NM_133378.4); c.52342G>A, p.Gly17448Arg (NM_133432.3); c.52543G>A, p.Gly17515Arg (NM_133437.4); short protein forms G17515R, G23820R, G17323R, G17448R, G26388R, G24747R.
Identifiers: ClinVar variation 4981676 (VCV004981676.1).

ClinVar aggregate classification (germline): Uncertain significance (1 of 4 stars; one submission).

Conditions:
TTN-related disorder. Also called: TTN-related disorders; TTN-related condition; TTN-related disease.

Submission:

PreventionGenetics, part of Exact Sciences
Classification: Uncertain significance for TTN-related condition. Last evaluated: 2025-07-17. Review status: criteria provided, single submitter. Criteria: ACMG Guidelines, 2015. Collection method: clinical testing. Allele origin: germline.
Comment: The TTN c.79162G>A variant is predicted to result in the amino acid substitution p.Gly26388Arg. To our knowledge, this variant has not been reported in the literature. This variant is reported in 0.0018% of alleles in individuals of European (Non-Finnish) descent in gnomAD. At this time, the clinical significance of this variant is uncertain due to the absence of conclusive functional and genetic evidence.